The following is an entry in ClinVar:

NM_004360.5(CDH1):c.2164+5G>T

Gene: CDH1 (cadherin 1; plus strand). Cytogenetic location: 16q22.1.
Variant type: single nucleotide variant.
Coding change: c.2164+5G>T on transcript NM_004360.5 (MANE Select); 5 bases into the intron after coding-DNA position 2164, G replaced by T.
Molecular consequence: intron variant.
Genome position (GRCh38, 1-based): chr16:68,823,631, G>T. VCF-style: chr16-68823631-G-T. GRCh37 (hg19) VCF-style: chr16-68857534-G-T.
Other names: c.616+5G>T (NM_001317185.2); c.199+5G>T (NM_001317186.2); c.1981+5G>T (NM_001317184.2).
Identifiers: ClinVar variation 3894332 (VCV003894332.1).

ClinVar aggregate classification (germline): Uncertain significance (1 of 4 stars; one submission).

Conditions:
Hereditary cancer-predisposing syndrome. Also called: Neoplastic Syndromes, Hereditary; Tumor predisposition; Hereditary Cancer Syndrome; Hereditary neoplastic syndrome. Identifiers: Orphanet 140162, MedGen C0027672, MeSH D009386, MONDO:0015356.

Submission:

Color Diagnostics, LLC DBA Color Health
Classification: Uncertain significance for Hereditary cancer-predisposing syndrome. Last evaluated: 2024-04-30. Review status: criteria provided, single submitter. Criteria: ACMG Guidelines, 2015. Collection method: clinical testing. Allele origin: germline.
Comment: This variant causes a G to T nucleotide substitution at the +5 position of intron 13 of the CDH1 gene. Splice site prediction tools predict that this variant may have a significant impact on RNA splicing, although this prediction has not been confirmed in published RNA studies. To our knowledge, functional studies have not been reported for this variant. This variant has not been reported in individuals affected with CDH1-related disorders in the literature. This variant has not been identified in the general population by the Genome Aggregation Database (gnomAD). The available evidence is insufficient to determine the role of this variant in disease conclusively. Therefore, this variant is classified as a Variant of Uncertain Significance.